The following is an entry in ClinVar:

ClinVar aggregate classification (germline): Uncertain significance. Review status: criteria provided, multiple submitters, no conflicts (2 of 4 stars). 5 submissions from 5 submitters: Uncertain significance (5). Last evaluated 2026-01-22.

Conditions:
Inborn genetic diseases. Identifiers: MedGen C0950123, MeSH D030342.
Congenital stationary night blindness 1C. Also called: Night blindness, congenital stationary (complete), 1C, autosomal recessive. Identifiers: Orphanet 215, MedGen C2750747, MONDO:0013183, OMIM 613216.

Allele frequency attached by ClinVar (database versions not stated): TOPMed 0.00022; ESP Exome Variant Server 0.00025.
gnomAD v4.1: 320 of 1,613,914 alleles (0.02%); highest among the groups gnomAD compares: Non-Finnish European, 0.025%; no homozygotes.

Submissions (5):

GeneDx
Classification: Uncertain significance. Last evaluated: 2026-01-22. Review status: criteria provided, single submitter. Criteria: GeneDx Variant Classification Process June 2021. Collection method: clinical testing. Allele origin: germline.
Comment: Observed in a patient with diffuse chorioretinal atrophy and central staphyloma in the presence of a second TRPM1 variant, but it is not known whether the variants occurred on the same (in cis) or on different (in trans) alleles (PMID: 35457050); In silico analysis supports that this missense variant has a deleterious effect on protein structure/function; This variant is associated with the following publications: (PMID: 35457050)

Blueprint Genetics
Classification: Uncertain significance. Last evaluated: 2024-02-23. Review status: criteria provided, single submitter. Criteria: ACMG Guidelines, 2015. Collection method: clinical testing. Allele origin: germline.

Labcorp Genetics (formerly Invitae), Labcorp
Classification: Uncertain significance. Last evaluated: 2022-10-24. Review status: criteria provided, single submitter. Criteria: Invitae Variant Classification Sherloc (09022015). Collection method: clinical testing. Allele origin: germline.
Comment: This sequence change replaces arginine, which is basic and polar, with tryptophan, which is neutral and slightly polar, at codon 1041 of the TRPM1 protein (p.Arg1041Trp). This variant is present in population databases (rs184390324, gnomAD 0.02%). This variant has not been reported in the literature in individuals affected with TRPM1-related conditions. ClinVar contains an entry for this variant (Variation ID: 866089). Advanced modeling of protein sequence and biophysical properties (such as structural, functional, and spatial information, amino acid conservation, physicochemical variation, residue mobility, and thermodynamic stability) performed at Invitae indicates that this missense variant is not expected to disrupt TRPM1 protein function. In summary, the available evidence is currently insufficient to determine the role of this variant in disease. Therefore, it has been classified as a Variant of Uncertain Significance.

Ambry Genetics
Classification: Uncertain significance for Inborn genetic diseases. Last evaluated: 2021-09-15. Review status: criteria provided, single submitter. Criteria: Ambry Variant Classification Scheme 2023. Collection method: clinical testing. Allele origin: germline.

Illumina Laboratory Services, Illumina
Classification: Uncertain significance for Congenital stationary night blindness 1C. Last evaluated: 2018-01-13. Review status: criteria provided, single submitter. Criteria: ICSL Variant Classification Criteria 13 December 2019. Collection method: clinical testing. Allele origin: germline.

NM_001252024.2(TRPM1):c.3187C>T (p.Arg1063Trp)

Genes: TRPM1 (transient receptor potential cation channel subfamily M member 1; minus strand), TRPM1-AS1 (TRPM1 antisense RNA 1; plus strand). Cytogenetic location: 15q13.3.
Variant type: single nucleotide variant.
Coding change: c.3187C>T on transcript NM_001252024.2 (MANE Select); coding-DNA position 3187, C replaced by T.
Protein change: p.Arg1063Trp; replaces arginine 1063 with tryptophan.
Molecular consequence: missense variant.
Genome position (GRCh38, 1-based): chr15:31,028,438, G>A on the plus strand (C>T on the coding strand, the complement: TRPM1 is on the minus strand). VCF-style: chr15-31028438-G-A. GRCh37 (hg19) VCF-style: chr15-31320641-G-A.
Other names: c.3121C>T (NM_002420.4); c.3238C>T, p.Arg1080Trp (NM_001252020.2); c.3121C>T, p.Arg1041Trp (NM_002420.6); short protein forms R1080W, R1063W, R1041W.
Identifiers: ClinVar variation 866089 (VCV000866089.12), dbSNP rs184390324, ClinGen allele CA7451954.